The following is an entry in ClinVar:

NM_015884.4(MBTPS2):c.1523A>T (p.Asn508Ile)

Gene: MBTPS2 (membrane bound transcription factor peptidase, site 2; plus strand). Cytogenetic location: Xp22.12.
Variant type: single nucleotide variant.
Coding change: c.1523A>T on transcript NM_015884.4 (MANE Select); coding-DNA position 1523, A replaced by T.
Protein change: p.Asn508Ile; replaces asparagine 508 with isoleucine.
Molecular consequence: missense variant.
Genome position (GRCh38, 1-based): chrX:21,882,618, A>T. VCF-style: chrX-21882618-A-T. GRCh37 (hg19) VCF-style: chrX-21900736-A-T.
Other names: short protein forms N508I.
Identifiers: ClinVar variation 392629 (VCV000392629.2), dbSNP rs587776867, ClinGen allele CA16608810.
Genomic context (GRCh38, chrX:21,882,618, plus strand): 5'-ATGTCAAAGATCTAATAGGGTTTTTCATCTTGCTGGGTGGCAGTGTACTTTTGGCTGCCA[A>T]TGTGACCCTGGGACTCTGGATGGTTACAGCACGGTAATGTTTGCACTCATCTGACAGAAT-3'
Protein context (NP_056968.1, residues 498-518): LLGGSVLLAA[Asn508Ile]VTLGLWMVTA

ClinVar aggregate classification (germline): Likely pathogenic (1 of 4 stars; one submission).

Submission:

GeneDx
Classification: Likely pathogenic. Last evaluated: 2017-01-16. Review status: criteria provided, single submitter. Criteria: GeneDx Variant Classification (06012015). Collection method: clinical testing. Allele origin: germline. Affected: yes.
Comment: The N508I variant in the MBTPS2 gene has not been reported previously as a pathogenic variant, nor as a benign variant, to our knowledge. However, a different missense alteration affecting the same codon (N508S) has been previously reported as a pathogenic variant in several generations of two unrelated families, in which hemizygous males presented with keratosis follicularis spinulosa decalvans (KFSD) and carrier females were asymptomatic or expressed mild symptoms; the N508S variant also has been observed in a Chinese family with two siblings presenting with ichthyosis follicularis, alopecia and photophobia (IFAP) and a carrier mother with dry skin and ichthyosiform scaling and atrophoderma following lines of Blaschko (Aten et al., 2010; Ding et al., 2010). The N508I variant was not observed in approximately 6500 individuals of European and African American ancestry in the NHLBI Exome Sequencing Project, indicating it is not a common benign variant in these populations. The N508I variant is a non-conservative amino acid substitution, which is likely to impact secondary protein structure as these residues differ in polarity, charge, size and/or other properties. This substitution occurs at a position that is conserved across species. In silico analysis predicts this variant is probably damaging to the protein structure/function. Based on the information available, the N508I variant is a strong candidate for a pathogenic variant, however the possibility it may be a rare benign variant cannot be excluded.